The following is an entry in ClinVar:

NM_006506.5(RASA2):c.2163C>T (p.Asn721=)

Gene: RASA2 (RAS p21 protein activator 2; plus strand). Cytogenetic location: 3q23.
Variant type: single nucleotide variant.
Coding change: c.2163C>T on transcript NM_006506.5 (MANE Select); coding-DNA position 2163, C replaced by T.
Protein change: p.Asn721=; no amino-acid change (asparagine 721 retained).
Molecular consequence: synonymous variant.
Genome position (GRCh38, 1-based): chr3:141,608,635, C>T. VCF-style: chr3-141608635-C-T. GRCh37 (hg19) VCF-style: chr3-141327477-C-T.
Other names: c.2175C>T (NM_001303246.1); c.2166C>T, p.Asn722= (NM_001303245.3); c.2175C>T, p.Asn725= (NM_001303246.3).
Identifiers: ClinVar variation 703990 (VCV000703990.41), dbSNP rs144508155, ClinGen allele CA2645756.

ClinVar aggregate classification (germline): Benign/Likely benign. Review status: criteria provided, multiple submitters, no conflicts (2 of 4 stars). 7 submissions from 7 submitters: Benign (1); Likely benign (5). 1 of the submissions does not count toward it. Last evaluated 2026-01-31.

Conditions:
RASA2-related disorder. Also called: RASA2-related condition.

Allele frequency attached by ClinVar (database versions not stated): ExAC 0.00052; gnomAD exomes 0.00052 and 0.00084; TOPMed 0.00054; gnomAD 0.00060 and 0.00065; ESP Exome Variant Server 0.00077.
gnomAD v4.1: 1,291 of 1,613,852 alleles (0.08%); highest among the groups gnomAD compares: Non-Finnish European, 0.1%; 2 homozygotes.

Submissions (7):

Labcorp Genetics (formerly Invitae), Labcorp
Classification: Likely benign. Last evaluated: 2026-01-31. Review status: criteria provided, single submitter. Criteria: Invitae Variant Classification Sherloc (09022015). Collection method: clinical testing. Allele origin: germline.

Laboratory of Genetics, Children's Clinical University Hospital Latvia
Classification: Likely benign. Last evaluated: 2025-02-16. Review status: criteria provided, single submitter. Criteria: ACMG Guidelines, 2015. Collection method: clinical testing. Allele origin: germline. Affected: yes.

Blueprint Genetics
Classification: Likely benign. Last evaluated: 2024-10-21. Review status: criteria provided, single submitter. Criteria: ACMG Guidelines, 2015. Collection method: clinical testing. Allele origin: germline.

CeGaT Center for Human Genetics Tuebingen
Classification: Likely benign. Last evaluated: 2024-03-01. Review status: criteria provided, single submitter. Criteria: CeGaT Center For Human Genetics Tuebingen Variant Classification Criteria Version 2. Collection method: clinical testing. Allele origin: germline. Affected: yes. Observed: 2 variant alleles.
Comment: RASA2: BP4, BP7

Ambry Genetics
Classification: Likely benign. Last evaluated: 2022-04-25. Review status: criteria provided, single submitter. Criteria: Ambry Variant Classification Scheme 2023. Collection method: clinical testing. Allele origin: germline.

Women's Health and Genetics/Laboratory Corporation of America, LabCorp
Classification: Benign. Last evaluated: 2020-02-13. Review status: criteria provided, single submitter. Criteria: LabCorp Variant Classification Summary - May 2015. Collection method: clinical testing. Allele origin: germline.

PreventionGenetics, part of Exact Sciences
Classification: Likely benign for RASA2-related condition. Last evaluated: 2019-10-28. Review status: no assertion criteria provided. Collection method: clinical testing. Allele origin: germline. Not counted in ClinVar's aggregate classification.
Comment: This variant is classified as likely benign based on ACMG/AMP sequence variant interpretation guidelines (Richards et al. 2015 PMID: 25741868, with internal and published modifications).